The following is an entry in ClinVar:

ClinVar aggregate classification (germline): Likely pathogenic (1 of 4 stars; one submission).

Conditions:
Walker-Warburg congenital muscular dystrophy. Also called: Muscular dystrophy-dystroglycanopathy, type A; Walker-Warburg syndrome. Identifiers: Orphanet 899, MedGen C0265221, MONDO:0000171.

Submission:

Natera, Inc.
Classification: Likely pathogenic for Walker-Warburg congenital muscular dystrophy. Last evaluated: 2024-09-19. Review status: criteria provided, single submitter. Criteria: Natera Variant Classification Schema (03/2026). Collection method: clinical testing. Allele origin: germline.
Comment: The c.478del variant in FKTN is a frameshift variant predicted to shift the reading frame beginning at codon 160 and leads to a stop codon 15 codons downstream. This variant is expected to result in nonsense mediated decay, truncation, or a dysfunctional protein product. This variant is rare in the general population with a frequency below the threshold expected for the associated phenotype(s). Given the available evidence, this variant is classified as Likely Pathogenic.

NM_001079802.2(FKTN):c.478del (p.Leu160fs)

Gene: FKTN (fukutin; plus strand). Cytogenetic location: 9q31.2.
Variant type: Deletion.
Coding change: c.478del on transcript NM_001079802.2 (MANE Select); coding-DNA position 478, one base deleted (C; older notation c.478delC).
Protein change: p.Leu160fs; shifts the reading frame from leucine 160.
Molecular consequence: frameshift variant. On other transcripts: non-coding transcript variant (2).
Genome position (GRCh38, 1-based): chr9:105,604,323, C deleted; the last of 5 consecutive C bases (chr9:105,604,319-105,604,323); deleting any one gives the same sequence. VCF-style (leftmost placement, unchanged base first): chr9-105604318-TC-T. GRCh37 (hg19) VCF-style: chr9-108366599-TC-T.
Other names: c.478delC, p.Leu160Cysfs (NM_001079802.1); c.478del, p.Leu160fs (NM_001198963.2, NM_001351496.2, NM_001351498.2 and 1 more transcripts); c.409del, p.Leu137fs (NM_001351497.2); c.82del, p.Leu28fs (NM_001351499.2, NM_001351500.2, NM_001351501.2 and 1 more transcripts); short protein forms L137fs, L160fs, L28fs.
Identifiers: ClinVar variation 4814586 (VCV004814586.1).